The following is an entry in ClinVar:

NM_001918.5(DBT):c.309_310del (p.Ser103fs)

Gene: DBT (dihydrolipoamide branched chain transacylase E2; minus strand). Cytogenetic location: 1p21.2.
Variant type: Deletion.
Coding change: c.309_310del on transcript NM_001918.5 (MANE Select); coding-DNA positions 309 to 310, 2 bases deleted (TG; older notation c.309_310delTG).
Protein change: p.Ser103fs; shifts the reading frame from serine 103.
Molecular consequence: frameshift variant. On other transcripts: 5 prime UTR variant (2), non-coding transcript variant (3).
Genome position (GRCh38, 1-based): chr1:100,230,856-100,230,857, CA deleted on the plus strand (TG on the coding strand, the reverse complement: DBT is on the minus strand); deleting any 2 consecutive bases within chr1:100,230,856-100,230,858 gives the same sequence; the c. name uses the placement nearest the transcript's 3' end. VCF-style (leftmost placement, unchanged base first): chr1-100230855-TCA-T. GRCh37 (hg19) VCF-style: chr1-100696411-TCA-T.
Other names: c.-235_-234del (NM_001399969.1, NM_001399972.1); short protein forms S103fs.
Identifiers: ClinVar variation 5011640 (VCV005011640.1).
Genomic context (GRCh38, chr1:100,230,855, plus strand): 5'-TTATAATAGAGTTTTTTAATGACTCCATCATAACGACTAGTGATGGTAACAGAAGCTTTA[TCA>T]CTTTGAACTTCACAGATGCTATCAAACTGAGACACTGTATCTCCTTCTTTTACATACCTA-3'

ClinVar aggregate classification (germline): Pathogenic (1 of 4 stars; one submission).

Conditions:
Maple syrup urine disease type 2 (MSUD2). Also called: Maple syrup urine disease, type II. Identifiers: MedGen C1855371, MONDO:0023693, OMIM 620699.

Submission:

Myriad Genetics, Inc.
Classification: Pathogenic for Maple syrup urine disease type 2. Last evaluated: 2023-09-11. Review status: criteria provided, single submitter. Criteria: Myriad Autosomal Dominant, Autosomal Recessive and X-Linked Classification Criteria (2023). Collection method: clinical testing. Allele origin: unknown.
Comment: NM_001918.3(DBT):c.309_310delTG(S103Rfs*2) is expected to be pathogenic in the context of maple syrup urine disease type II. This variant is predicted to lead to an abnormal or absent protein product due to the creation of a premature termination codon in DBT, a gene where loss-of-function variants are known to be pathogenic. Please note: this variant was assessed in the context of healthy population screening.